The following is an entry in ClinVar:

ClinVar aggregate classification (germline): Uncertain significance (1 of 4 stars; one submission).

Conditions:
Familial cold autoinflammatory syndrome 3 (FCAS3). Also called: FAMILIAL ATYPICAL COLD URTICARIA; ANTIBODY DEFICIENCY AND IMMUNE DYSREGULATION, PLCG2-ASSOCIATED. Identifiers: Orphanet 300359, MedGen C3280914, MONDO:0013766, OMIM 614468.

Allele frequency attached by ClinVar (database versions not stated): gnomAD 0.00001.
gnomAD v4.1: 1 of 1,566,304 alleles (0.000064%); highest among the groups gnomAD compares: Non-Finnish European, 0.000088%; no homozygotes.

Submission:

Labcorp Genetics (formerly Invitae), Labcorp
Classification: Uncertain significance for Familial cold autoinflammatory syndrome 3. Last evaluated: 2022-12-02. Review status: criteria provided, single submitter. Criteria: Invitae Variant Classification Sherloc (09022015). Collection method: clinical testing. Allele origin: germline.
Comment: Algorithms developed to predict the effect of missense changes on protein structure and function are either unavailable or do not agree on the potential impact of this missense change (SIFT: "Tolerated"; PolyPhen-2: "Possibly Damaging"; Align-GVGD: "Class C0"). In summary, the available evidence is currently insufficient to determine the role of this variant in disease. Therefore, it has been classified as a Variant of Uncertain Significance. ClinVar contains an entry for this variant (Variation ID: 1007942). This variant has not been reported in the literature in individuals affected with PLCG2-related conditions. This variant is present in population databases (no rsID available, gnomAD 0.007%). This sequence change replaces glutamic acid, which is acidic and polar, with glutamine, which is neutral and polar, at codon 746 of the PLCG2 protein (p.Glu746Gln).

NM_002661.5(PLCG2):c.2236G>C (p.Glu746Gln)

Gene: PLCG2 (phospholipase C gamma 2; plus strand). Cytogenetic location: 16q23.3.
Variant type: single nucleotide variant.
Coding change: c.2236G>C on transcript NM_002661.5 (MANE Select); coding-DNA position 2236, G replaced by C.
Protein change: p.Glu746Gln; replaces glutamic acid 746 with glutamine.
Molecular consequence: missense variant.
Genome position (GRCh38, 1-based): chr16:81,921,198, G>C. VCF-style: chr16-81921198-G-C. GRCh37 (hg19) VCF-style: chr16-81954803-G-C.
Other names: short protein forms E746Q.
Identifiers: ClinVar variation 1007942 (VCV001007942.8), dbSNP rs1387006185, ClinGen allele CA396902198.